The following is an entry in ClinVar:

NM_023078.6(PYCR3):c.16C>T (p.Pro6Ser)

Gene: PYCR3 (pyrroline-5-carboxylate reductase 3; minus strand). Cytogenetic location: 8q24.3.
Variant type: single nucleotide variant.
Coding change: c.16C>T on transcript NM_023078.6 (MANE Select); coding-DNA position 16, C replaced by T.
Protein change: p.Pro6Ser; replaces proline 6 with serine.
Molecular consequence: missense variant. On other transcripts: non-coding transcript variant (1).
Genome position (GRCh38, 1-based): chr8:143,609,533, G>A on the plus strand (C>T on the coding strand, the complement: PYCR3 is on the minus strand). VCF-style: chr8-143609533-G-A. GRCh37 (hg19) VCF-style: chr8-144691703-G-A.
Other names: c.16C>T, p.Pro6Ser (NM_001329866.3); short protein forms P6S.
Identifiers: ClinVar variation 161767 (VCV000161767.2), dbSNP rs193920765, ClinGen allele CA174748.
Genomic context (GRCh38, chr8:143,609,533, plus strand): 5'-CCTGCGCGATGGCCCCCGCCATGCGGCCCGCGCCCACGAAGCCCACGCGCCGCGGAGACG[G>A]CTCCGCAGCTGCCATCTTGTTGCCTCGGACGCCGCTGCGCTCACCGCCCATCCACAGGCC-3'
Protein context (NP_075566.3, residues 1-16): MAAAE[Pro6Ser]SPRRVGFVGA

ClinVar aggregate classification (germline): Uncertain significance (0 of 4 stars; one submission).

Conditions:
Prostate cancer. Also called: Malignant tumor of prostate. Identifiers: Orphanet 1331, MedGen C0376358, MONDO:0008315, HP:0012125.

gnomAD v4.1: 4 of 1,511,396 alleles (0.00026%); highest among the groups gnomAD compares: Non-Finnish European, 0.00035%; no homozygotes.

Submission:

Science for Life laboratory,  Karolinska Institutet
Classification: Uncertain significance for Malignant tumor of prostate. Review status: no assertion criteria provided. Collection method: not provided. Allele origin: somatic.
Comment: TumorID:SWE-1
ClinVar note: Converted during submission from Unknown to Uncertain significance.